The following is an entry in ClinVar:

ClinVar aggregate classification (germline): Uncertain significance (1 of 4 stars; one submission).

Conditions:
HELIX syndrome. Also called: HYPOHIDROSIS, ELECTROLYTE IMBALANCE, LACRIMAL GLAND DYSFUNCTION, ICHTHYOSIS, AND XEROSTOMIA; Hypohidrosis-electrolyte imbalance-lacrimal gland dysfunction-ichthyosis-xerostomia syndrome. Identifiers: Orphanet 528105, MedGen C4522164, MONDO:0060564, OMIM 617671.

gnomAD v4.1: 1 of 1,614,124 alleles (0.000062%); highest among the groups gnomAD compares: Non-Finnish European, 0.000085%; no homozygotes.

Submission:

MVZ Medizinische Genetik Mainz
Classification: Uncertain significance for HELIX syndrome. Last evaluated: 2026-08-17. Review status: criteria provided, single submitter. Criteria: UK Practice Guidelines For Variant Classification V4 01 2020. Collection method: clinical testing. Allele origin: germline. Inheritance: Autosomal recessive inheritance. Affected: no. Observed: 1 variant allele.
Comment: ACMG Criteria: PM2_SUP,PP3,PP4; Compound Heterozygote

NM_006984.5(CLDN10):c.244C>G (p.Leu82Val)

Gene: CLDN10 (claudin 10; plus strand). Cytogenetic location: 13q32.1.
Variant type: single nucleotide variant.
Coding change: c.244C>G on transcript NM_006984.5 (MANE Select); coding-DNA position 244, C replaced by G.
Protein change: p.Leu82Val; replaces leucine 82 with valine.
Molecular consequence: missense variant.
Genome position (GRCh38, 1-based): chr13:95,560,155, C>G. VCF-style: chr13-95560155-C-G. GRCh37 (hg19) VCF-style: chr13-96212409-C-G.
Other names: c.181C>G, p.Leu61Val (NM_001160100.2); c.238C>G, p.Leu80Val (NM_182848.4); short protein forms L61V, L80V, L82V.
Identifiers: ClinVar variation 5010185 (VCV005010185.1).
Genomic context (GRCh38, chr13:95,560,155, plus strand): 5'-TGCTTTATGTAACGTAAATGACCTACTCTAATTGCAGGTTATATACAGGCATGTAGAGGA[C>G]TTATGATCGCTGCTGTCAGCCTGGGCTTCTTTGGTTCCATATTTGCGCTCTTTGGAATGA-3'
Protein context (NP_008915.1, residues 72-92): LDGYIQACRG[Leu82Val]MIAAVSLGFF